The following is an entry in ClinVar:

ClinVar aggregate classification (germline): Conflicting classifications of pathogenicity. Review status: criteria provided, conflicting classifications (1 of 4 stars). 7 submissions from 7 submitters: Uncertain significance (3); Likely benign (2). 2 of the submissions do not count toward it. Last evaluated 2025-11-09.

Conditions:
RPGRIP1L-related disorder. Also called: RPGRIP1L-related condition; RPGRIP1L-related disorders. Identifiers: MedGen CN239416.
Joubert syndrome. Also called: Familial aplasia of the vermis; JOUBERT-BOLTSHAUSER SYNDROME. Identifiers: Orphanet 475, MedGen C5979921, MONDO:0018772.
Meckel syndrome, type 5 (MKS5). Identifiers: Orphanet 564, MedGen C1969052, MONDO:0012695, OMIM 611561.
COACH syndrome 3. Identifiers: MedGen C5436841, MONDO:0030862, OMIM 619113.
Joubert syndrome 7 (JBTS7). Identifiers: Orphanet 220497, MedGen C1969053, MONDO:0012694, OMIM 611560.
Meckel-Gruber syndrome. Also called: DYSENCEPHALIA SPLANCHNOCYSTICA; GRUBER SYNDROME; Dysencephalia splachnocystica. Identifiers: Orphanet 564, MedGen C0265215, MONDO:0018921.

Allele frequency attached by ClinVar (database versions not stated): gnomAD 0.00001; gnomAD exomes 0.00012 and 0.00025; TOPMed 0.00014; ExAC 0.00018.
gnomAD v4.1: 76 of 1,613,956 alleles (0.0047%); highest among the groups gnomAD compares: Admixed American, 0.12%; no homozygotes.

Submissions (7):

Labcorp Genetics (formerly Invitae), Labcorp
Classification: Likely benign for Joubert syndrome; Meckel-Gruber syndrome. Last evaluated: 2025-11-09. Review status: criteria provided, single submitter. Criteria: Invitae Variant Classification Sherloc (09022015). Collection method: clinical testing. Allele origin: germline.

GeneDx
Classification: Uncertain significance. Last evaluated: 2023-03-27. Review status: criteria provided, single submitter. Criteria: GeneDx Variant Classification Process June 2021. Collection method: clinical testing. Allele origin: germline. Affected: yes.
Comment: Has not been previously published as pathogenic or benign to our knowledge; In silico analysis supports that this missense variant does not alter protein structure/function

Blueprint Genetics
Classification: Likely benign. Last evaluated: 2022-11-06. Review status: criteria provided, single submitter. Criteria: ACMG Guidelines, 2015. Collection method: clinical testing. Allele origin: germline.

Fulgent Genetics
Classification: Uncertain significance for Joubert syndrome 7; Meckel syndrome, type 5; COACH syndrome 3. Last evaluated: 2022-04-21. Review status: criteria provided, single submitter. Criteria: ACMG Guidelines, 2015. Collection method: clinical testing. Allele origin: unknown.

Eurofins Ntd Llc (ga)
Classification: Uncertain significance. Last evaluated: 2017-02-08. Review status: criteria provided, single submitter. Criteria: EGL Classification Definitions 2015. Collection method: clinical testing. Allele origin: germline. Observed: 1 variant allele, 1 heterozygote.

PreventionGenetics, part of Exact Sciences
Classification: Likely benign for RPGRIP1L-related condition. Last evaluated: 2022-03-14. Review status: no assertion criteria provided. Collection method: clinical testing. Allele origin: germline. Not counted in ClinVar's aggregate classification.
Comment: This variant is classified as likely benign based on ACMG/AMP sequence variant interpretation guidelines (Richards et al. 2015 PMID: 25741868, with internal and published modifications).

Natera, Inc.
Classification: Uncertain significance for Joubert syndrome. Last evaluated: 2019-11-11. Review status: no assertion criteria provided. Collection method: clinical testing. Allele origin: germline. Not counted in ClinVar's aggregate classification.

NM_015272.5(RPGRIP1L):c.502G>A (p.Ala168Thr)

Gene: RPGRIP1L (RPGRIP1 like; minus strand). Cytogenetic location: 16q12.2.
Variant type: single nucleotide variant.
Coding change: c.502G>A on transcript NM_015272.5 (MANE Select); coding-DNA position 502, G replaced by A.
Protein change: p.Ala168Thr; replaces alanine 168 with threonine.
Molecular consequence: missense variant.
Genome position (GRCh38, 1-based): chr16:53,692,093, C>T on the plus strand (G>A on the coding strand, the complement: RPGRIP1L is on the minus strand). VCF-style: chr16-53692093-C-T. GRCh37 (hg19) VCF-style: chr16-53726005-C-T.
Other names: c.502G>A, p.Ala168Thr (NM_001127897.4, NM_001308334.3, NM_001330538.2); c.502G>A (NM_015272.4); short protein forms A168T.
Identifiers: ClinVar variation 500180 (VCV000500180.23), dbSNP rs780770984, ClinGen allele CA8058113.